The following is an entry in ClinVar:

NM_001042492.3(NF1):c.706C>G (p.Gln236Glu)

Gene: NF1 (neurofibromin 1; plus strand). Cytogenetic location: 17q11.2.
Variant type: single nucleotide variant.
Coding change: c.706C>G on transcript NM_001042492.3 (MANE Select); coding-DNA position 706, C replaced by G.
Protein change: p.Gln236Glu; replaces glutamine 236 with glutamic acid.
Molecular consequence: missense variant.
Genome position (GRCh38, 1-based): chr17:31,181,761, C>G. VCF-style: chr17-31181761-C-G. GRCh37 (hg19) VCF-style: chr17-29508779-C-G.
Other names: c.706C>G, p.Gln236Glu (NM_000267.4, NM_001128147.3); short protein forms Q236E.
Identifiers: ClinVar variation 664248 (VCV000664248.13), dbSNP rs1597658664, ClinGen allele CA398990072.

ClinVar aggregate classification (germline): Conflicting classifications of pathogenicity. Review status: criteria provided, conflicting classifications (1 of 4 stars). 3 submissions from 3 submitters: Uncertain significance (2); Likely benign (1). Last evaluated 2025-10-27.

Conditions:
Hereditary cancer-predisposing syndrome. Also called: Neoplastic Syndromes, Hereditary; Hereditary neoplastic syndrome; Tumor predisposition; Hereditary Cancer Syndrome. Identifiers: Orphanet 140162, MedGen C0027672, MeSH D009386, MONDO:0015356.
Cardiovascular phenotype. Identifiers: MedGen CN230736.
Neurofibromatosis, type 1 (NF1). Also called: VON RECKLINGHAUSEN DISEASE; NEUROFIBROMATOSIS, TYPE I, SOMATIC; Peripheral type neurofibromatosis; Neurofibromatosis, type I. Identifiers: Orphanet 636, MedGen C0027831, MONDO:0018975, OMIM 162200. Disease mechanism: loss of function.

Submissions (3):

Labcorp Genetics (formerly Invitae), Labcorp
Classification: Likely benign for Neurofibromatosis, type 1. Last evaluated: 2025-10-27. Review status: criteria provided, single submitter. Criteria: Invitae Variant Classification Sherloc (09022015). Collection method: clinical testing. Allele origin: germline.

Ambry Genetics
Classification: Uncertain significance for Cardiovascular phenotype; Hereditary cancer-predisposing syndrome. Last evaluated: 2023-11-16. Review status: criteria provided, single submitter. Criteria: Ambry Variant Classification Scheme 2023. Collection method: clinical testing. Allele origin: germline.
Comment: The p.Q236E variant (also known as c.706C>G), located in coding exon 7 of the NF1 gene, results from a C to G substitution at nucleotide position 706. The glutamine at codon 236 is replaced by glutamic acid, an amino acid with highly similar properties. This amino acid position is highly conserved in available vertebrate species. In addition, the in silico prediction for this alteration is inconclusive. Since supporting evidence is limited at this time, the clinical significance of this alteration remains unclear.

Genome-Nilou Lab
Classification: Uncertain significance for Neurofibromatosis, type 1. Last evaluated: 2022-03-15. Review status: criteria provided, single submitter. Criteria: ACMG Guidelines, 2015. Collection method: clinical testing. Allele origin: germline. Affected: no.